The following is an entry in ClinVar:

NM_001283009.2(RTEL1):c.2939C>G (p.Pro980Arg)

Genes: RTEL1 (regulator of telomere elongation helicase 1; plus strand), RTEL1-TNFRSF6B (RTEL1-TNFRSF6B readthrough (NMD candidate); plus strand). Cytogenetic location: 20q13.33.
Variant type: single nucleotide variant.
Coding change: c.2939C>G on transcript NM_001283009.2 (MANE Select); coding-DNA position 2939, C replaced by G.
Protein change: p.Pro980Arg; replaces proline 980 with arginine.
Molecular consequence: missense variant. On other transcripts: non-coding transcript variant (1).
Genome position (GRCh38, 1-based): chr20:63,693,230, C>G. VCF-style: chr20-63693230-C-G. GRCh37 (hg19) VCF-style: chr20-62324583-C-G.
Other names: c.2270C>G, p.Pro757Arg (NM_001283010.1); c.2939C>G, p.Pro980Arg (NM_016434.4); c.3011C>G, p.Pro1004Arg (NM_032957.5); short protein forms P1004R, P757R, P980R.
Identifiers: ClinVar variation 1163750 (VCV001163750.9), dbSNP rs1340326956, ClinGen allele CA409683341.

ClinVar aggregate classification (germline): Uncertain significance. Review status: criteria provided, multiple submitters, no conflicts (2 of 4 stars). 2 submissions from 2 submitters: Uncertain significance (2). Last evaluated 2025-12-10.

Conditions:
Pulmonary fibrosis and/or bone marrow failure, Telomere-related, 3. Also called: PULMONARY FIBROSIS AND/OR BONE MARROW FAILURE SYNDROME, TELOMERE-RELATED, 3. Identifiers: Orphanet 2032, MedGen C4225346, MONDO:0014613, OMIM 616373.
Dyskeratosis congenita, autosomal recessive 5 (DKCB5). Identifiers: MedGen C3554656, MONDO:0014076, OMIM 615190.

Allele frequency attached by ClinVar (database versions not stated): TOPMed below 0.00001; gnomAD exomes 0.00001.
gnomAD v4.1: 17 of 1,612,090 alleles (0.0011%); highest among the groups gnomAD compares: Non-Finnish European, 0.0014%; no homozygotes.

Submissions (2):

Labcorp Genetics (formerly Invitae), Labcorp
Classification: Uncertain significance for Dyskeratosis congenita, autosomal recessive 5; Pulmonary fibrosis and/or bone marrow failure, Telomere-related, 3. Last evaluated: 2025-12-10. Review status: criteria provided, single submitter. Criteria: Invitae Variant Classification Sherloc (09022015). Collection method: clinical testing. Allele origin: germline.
Comment: This sequence change replaces proline, which is neutral and non-polar, with arginine, which is basic and polar, at codon 980 of the RTEL1 protein (p.Pro980Arg). This variant is present in population databases (no rsID available, gnomAD 0.003%). This missense change has been observed in individual(s) with breast cancer (PMID: 30303537). ClinVar contains an entry for this variant (Variation ID: 1163750). An algorithm developed to predict the effect of missense changes on protein structure and function (PolyPhen-2) suggests that this variant is likely to be disruptive. In summary, the available evidence is currently insufficient to determine the role of this variant in disease. Therefore, it has been classified as a Variant of Uncertain Significance.

Mayo Clinic Laboratories, Mayo Clinic
Classification: Uncertain significance. Last evaluated: 2020-09-09. Review status: criteria provided, single submitter. Criteria: ACMG Guidelines, 2015. Collection method: clinical testing. Allele origin: germline. Observed: 1 variant allele.

Literature cited by the submitters: PubMed 30303537 (cited by Labcorp Genetics (formerly Invitae), Labcorp).